The following is an entry in ClinVar:

ClinVar aggregate classification (germline): Uncertain significance (1 of 4 stars; one submission).

Submission:

Center for Pediatric Genomic Medicine, Children's Mercy Hospital and Clinics
Classification: Uncertain significance. Last evaluated: 2015-12-22. Review status: criteria provided, single submitter. Criteria: ACMG Guidelines, 2015. Collection method: clinical testing. Allele origin: germline.
ClinVar note: Converted during submission from Uncertain Significance to Uncertain significance.

NC_012920.1(MT-ND5):m.12903T>C

Gene: MT-ND5 (mitochondrially encoded NADH dehydrogenase 5; plus strand).
Variant type: single nucleotide variant.
Genome position: chrM-12903-T-C.
Identifiers: ClinVar variation 235388 (VCV000235388.3), dbSNP rs878853027, ClinGen allele CA10581297.